The following is an entry in ClinVar:

NM_014264.5(PLK4):c.698T>C (p.Phe233Ser)

Gene: PLK4 (polo like kinase 4; plus strand). Cytogenetic location: 4q28.1.
Variant type: single nucleotide variant.
Coding change: c.698T>C on transcript NM_014264.5 (MANE Select); coding-DNA position 698, T replaced by C.
Protein change: p.Phe233Ser; replaces phenylalanine 233 with serine.
Molecular consequence: missense variant.
Genome position (GRCh38, 1-based): chr4:127,886,068, T>C. VCF-style: chr4-127886068-T-C. GRCh37 (hg19) VCF-style: chr4-128807223-T-C.
Other names: c.602T>C, p.Phe201Ser (NM_001190799.2); c.575T>C, p.Phe192Ser (NM_001190801.2); short protein forms F201S, F233S, F192S.
Identifiers: ClinVar variation 1429391 (VCV001429391.6), dbSNP rs756265121, ClinGen allele CA3076616.

ClinVar aggregate classification (germline): Uncertain significance (1 of 4 stars; one submission).

Allele frequency attached by ClinVar (database versions not stated): TOPMed below 0.00001; ExAC 0.00001; gnomAD exomes 0.00001.
gnomAD v4.1: 4 of 1,614,178 alleles (0.00025%); highest among the groups gnomAD compares: Admixed American, 0.0017%; no homozygotes.

Submission:

Labcorp Genetics (formerly Invitae), Labcorp
Classification: Uncertain significance. Last evaluated: 2023-06-13. Review status: criteria provided, single submitter. Criteria: Invitae Variant Classification Sherloc (09022015). Collection method: clinical testing. Allele origin: germline.
Comment: This sequence change replaces phenylalanine, which is neutral and non-polar, with serine, which is neutral and polar, at codon 233 of the PLK4 protein (p.Phe233Ser). This variant is present in population databases (rs756265121, gnomAD 0.003%). This variant has not been reported in the literature in individuals affected with PLK4-related conditions. ClinVar contains an entry for this variant (Variation ID: 1429391). An algorithm developed to predict the effect of missense changes on protein structure and function (PolyPhen-2) suggests that this variant is likely to be disruptive. In summary, the available evidence is currently insufficient to determine the role of this variant in disease. Therefore, it has been classified as a Variant of Uncertain Significance.